The following is an entry in ClinVar:

NM_177438.3(DICER1):c.5528-1G>T

Gene: DICER1 (dicer 1, ribonuclease III; minus strand). Cytogenetic location: 14q32.13.
Variant type: single nucleotide variant.
Coding change: c.5528-1G>T on transcript NM_177438.3 (MANE Select); the canonical splice acceptor site of the intron before coding-DNA position 5528, G replaced by T.
Molecular consequence: splice acceptor variant.
Genome position (GRCh38, 1-based): chr14:95,091,110, C>A on the plus strand (G>T on the coding strand, the complement: DICER1 is on the minus strand). VCF-style: chr14-95091110-C-A. GRCh37 (hg19) VCF-style: chr14-95557447-C-A.
Other names: c.5528-1G>T (NM_001291628.2, NM_030621.4, NM_001395677.1 and 7 more transcripts); c.5123-1G>T (NM_001395690.1, NM_001395687.1, NM_001395689.1 and 1 more transcripts); c.5246-1G>T (NM_001395686.1); c.4961-1G>T (NM_001395691.1); c.3845-1G>T (NM_001395697.1); c.5365-1G>T (NM_001195573.1).
Identifiers: ClinVar variation 4724387 (VCV004724387.1).

ClinVar aggregate classification (germline): Likely pathogenic (1 of 4 stars; one submission).

Conditions:
DICER1-related tumor predisposition. Also called: DICER1 syndrome; DICER1-related pleuropulmonary blastoma cancer predisposition syndrome. Identifiers: Orphanet 284343, MedGen C3839822, MONDO:0100216.

Submission:

Labcorp Genetics (formerly Invitae), Labcorp
Classification: Likely pathogenic for DICER1-related tumor predisposition. Last evaluated: 2025-07-30. Review status: criteria provided, single submitter. Criteria: Invitae Variant Classification Sherloc (09022015). Collection method: clinical testing. Allele origin: germline.
Comment: This sequence change affects an acceptor splice site in intron 25 of the DICER1 gene. It is expected to disrupt RNA splicing. Variants that disrupt the donor or acceptor splice site typically lead to a loss of protein function (PMID: 16199547), and loss-of-function variants in DICER1 are known to be pathogenic (PMID: 19556464, 21266384). This variant is not present in population databases (gnomAD no frequency). Disruption of this splice site has been observed in individual(s) with DICER1-related conditions (PMID: 22180160). This variant is also known as c.5365-1G>T. Algorithms developed to predict the effect of sequence changes on RNA splicing suggest that this variant may disrupt the consensus splice site. In summary, the currently available evidence indicates that the variant is pathogenic, but additional data are needed to prove that conclusively. Therefore, this variant has been classified as Likely Pathogenic.

Literature cited by the submitters: PubMed 16199547; PubMed 19556464; PubMed 21266384; PubMed 22180160.